The following is an entry in ClinVar:

NM_001130021.3(ATP6V0A1):c.574C>T (p.Arg192Trp)

Gene: ATP6V0A1 (ATPase H+ transporting V0 subunit a1; plus strand). Cytogenetic location: 17q21.2.
Variant type: single nucleotide variant.
Coding change: c.574C>T on transcript NM_001130021.3 (MANE Select); coding-DNA position 574, C replaced by T.
Protein change: p.Arg192Trp; replaces arginine 192 with tryptophan.
Molecular consequence: missense variant. On other transcripts: intron variant (2).
Genome position (GRCh38, 1-based): chr17:42,478,530, C>T. VCF-style: chr17-42478530-C-T. GRCh37 (hg19) VCF-style: chr17-40630548-C-T.
Other names: c.595C>T, p.Arg199Trp (NM_001130020.3, NM_001378522.1, NM_001378523.1 and 5 more transcripts); c.574C>T, p.Arg192Trp (NM_001378530.1, NM_001378533.1, NM_001378535.1 and 10 more transcripts); c.466C>T, p.Arg156Trp (NM_001378536.1, NM_001378550.1, NM_001378556.1); c.445C>T, p.Arg149Trp (NM_001378538.1, NM_001378540.1); c.415C>T, p.Arg139Trp (NM_001378543.1, NM_001378553.1); c.394C>T, p.Arg132Trp (NM_001378549.1); c.424-2137C>T (NM_001378545.1, NM_001378554.1); short protein forms R132W, R139W, R149W, R156W, R192W, R199W.
Identifiers: ClinVar variation 1802094 (VCV001802094.1), dbSNP rs2089059373, ClinGen allele CA399583864.
Genomic context (GRCh38, chr17:42,478,530, plus strand): 5'-GCTGGTGTCATTAACCGGGAGCGCATCCCTACTTTTGAGCGCATGCTTTGGCGGGTATGC[C>T]GGGGAAATGTGTTCCTGCGACAGGCTGAAATCGAGAACCCCCTGGAGGATCCTGTGACTG-3'
Protein context (NP_001123493.1, residues 182-202): TFERMLWRVC[Arg192Trp]GNVFLRQAEI

ClinVar aggregate classification (germline): Uncertain significance (1 of 4 stars; one submission).

Submission:

GeneDx
Classification: Uncertain significance. Last evaluated: 2022-11-23. Review status: criteria provided, single submitter. Criteria: GeneDx Variant Classification Process June 2021. Collection method: clinical testing. Allele origin: germline. Affected: yes.
Comment: Not observed at significant frequency in large population cohorts (gnomAD); In silico analysis supports that this missense variant has a deleterious effect on protein structure/function; Has not been previously published as pathogenic or benign to our knowledge